The following is an entry in ClinVar:

ClinVar aggregate classification (germline): Conflicting classifications of pathogenicity. Review status: criteria provided, conflicting classifications (1 of 4 stars). 6 submissions from 6 submitters: Uncertain significance (1); Benign (1); Likely benign (4). Last evaluated 2026-06-29.

Conditions:
Cardiovascular phenotype. Identifiers: MedGen CN230736.
Cardiomyopathy (CMYO). Also called: Cardiomyopathies. Identifiers: Orphanet 167848, MedGen C0878544, MONDO:0004994, HP:0001638. Inheritance: Various modes of inheritance.
Arrhythmogenic right ventricular dysplasia 9 (ARVD9). Also called: Arrhythmogenic Right Ventricular Dysplasia/Cardiomyopathy 9; ARRHYTHMOGENIC RIGHT VENTRICULAR DYSPLASIA, FAMILIAL, 9. Identifiers: MedGen C1836906, MONDO:0012180, OMIM 609040.

Allele frequency attached by ClinVar (database versions not stated): ESP Exome Variant Server 0.00023; gnomAD exomes 0.00002 and 0.00001; gnomAD 0.00011 and 0.00013; ExAC 0.00004; TOPMed 0.00014.
gnomAD v4.1: 31 of 1,613,918 alleles (0.0019%); highest among the groups gnomAD compares: African/African-American, 0.039%; no homozygotes.

Submissions (6):

Women's Health and Genetics/Laboratory Corporation of America, LabCorp
Classification: Uncertain significance. Last evaluated: 2026-06-29. Review status: criteria provided, single submitter. Criteria: LabCorp Variant Classification Summary - May 2015. Collection method: clinical testing. Allele origin: germline.
Comment: Variant summary: PKP2 c.1974A>G (p.Gln658Gln) alters a conserved nucleotide located close to a canonical splice site and therefore could affect mRNA splicing, leading to a significantly altered protein sequence. Several computational tools predict a significant impact on normal splicing: Three predict the variant weakens a canonical 3' acceptor site and three predict the variant creates a cryptic 3' acceptor site. However, these predictions have yet to be confirmed by functional studies. The variant allele was found at a frequency of 2.4e-05 in 251320 control chromosomes. The available data on variant occurrences in the general population are insufficient to allow any conclusion about variant significance. To our knowledge, no occurrence of c.1974A>G in individuals affected with PKP2-related conditions and no experimental evidence demonstrating its impact on protein function have been reported. ClinVar contains an entry for this variant (Variation ID: 180474). Based on the evidence outlined above, the variant was classified as uncertain significance.

Labcorp Genetics (formerly Invitae), Labcorp
Classification: Likely benign for Arrhythmogenic right ventricular dysplasia 9. Last evaluated: 2025-12-19. Review status: criteria provided, single submitter. Criteria: Invitae Variant Classification Sherloc (09022015). Collection method: clinical testing. Allele origin: germline.

Color Diagnostics, LLC DBA Color Health
Classification: Likely benign for Cardiomyopathy. Last evaluated: 2019-03-11. Review status: criteria provided, single submitter. Criteria: ACMG Guidelines, 2015. Collection method: clinical testing. Allele origin: germline.

CHEO Genetics Diagnostic Laboratory, Children's Hospital of Eastern Ontario
Classification: Benign for Cardiomyopathy. Last evaluated: 2018-08-21. Review status: criteria provided, single submitter. Criteria: ACMG Guidelines, 2015. Collection method: clinical testing. Allele origin: germline.

Ambry Genetics
Classification: Likely benign for Cardiovascular phenotype. Last evaluated: 2018-01-09. Review status: criteria provided, single submitter. Criteria: Ambry Variant Classification Scheme 2023. Collection method: clinical testing. Allele origin: germline.

PreventionGenetics, part of Exact Sciences
Classification: Likely benign. Review status: criteria provided, single submitter. Criteria: ACMG Guidelines, 2015. Collection method: clinical testing. Allele origin: germline.

NM_001005242.3(PKP2):c.1842A>G (p.Gln614=)

Gene: PKP2 (plakophilin 2; minus strand). Cytogenetic location: 12p11.21.
Variant type: single nucleotide variant.
Coding change: c.1842A>G on transcript NM_001005242.3 (MANE Select); coding-DNA position 1842, A replaced by G.
Protein change: p.Gln614=; no amino-acid change (glutamine 614 retained).
Molecular consequence: synonymous variant.
Genome position (GRCh38, 1-based): chr12:32,821,527, T>C on the plus strand (A>G on the coding strand, the complement: PKP2 is on the minus strand). VCF-style: chr12-32821527-T-C. GRCh37 (hg19) VCF-style: chr12-32974461-T-C.
Other names: c.1974A>G, p.Gln658= (NM_004572.4).
Identifiers: ClinVar variation 180474 (VCV000180474.20), dbSNP rs138901574, ClinGen allele CA011599.